The following is an entry in ClinVar:

ClinVar aggregate classification (germline): Uncertain significance (1 of 4 stars; one submission).

Conditions:
Congenital myotonia, autosomal dominant form (THD). Also called: THOMSEN DISEASE; Myotonia congenita autosomal dominant. Identifiers: Orphanet 614, MedGen C2936781, MONDO:0008055, OMIM 160800.
Congenital myotonia, autosomal recessive form. Also called: Becker Generalized Myotonia; myotonia congenita, autosomal recessive; BECKER DISEASE. Identifiers: Orphanet 614, MedGen C0751360, MONDO:0009715, OMIM 255700.

Submission:

Labcorp Genetics (formerly Invitae), Labcorp
Classification: Uncertain significance for Congenital myotonia, autosomal recessive form; Congenital myotonia, autosomal dominant form. Last evaluated: 2020-02-19. Review status: criteria provided, single submitter. Criteria: Invitae Variant Classification Sherloc (09022015). Collection method: clinical testing. Allele origin: germline.
Comment: In summary, the available evidence is currently insufficient to determine the role of this variant in disease. Therefore, it has been classified as a Variant of Uncertain Significance. This sequence change replaces glycine with valine at codon 777 of the CLCN1 protein (p.Gly777Val). The glycine residue is moderately conserved and there is a moderate physicochemical difference between glycine and valine. This variant is not present in population databases (ExAC no frequency). This variant has not been reported in the literature in individuals with CLCN1-related conditions. Algorithms developed to predict the effect of missense changes on protein structure and function (SIFT, PolyPhen-2, Align-GVGD) all suggest that this variant is likely to be tolerated, but these predictions have not been confirmed by published functional studies and their clinical significance is uncertain. Algorithms developed to predict the effect of sequence changes on RNA splicing suggest that this variant may create or strengthen a splice site, but this prediction has not been confirmed by published transcriptional studies.

NM_000083.3(CLCN1):c.2330G>T (p.Gly777Val)

Gene: CLCN1 (chloride voltage-gated channel 1; plus strand). Cytogenetic location: 7q34.
Variant type: single nucleotide variant.
Coding change: c.2330G>T on transcript NM_000083.3 (MANE Select); coding-DNA position 2330, G replaced by T.
Protein change: p.Gly777Val; replaces glycine 777 with valine.
Molecular consequence: missense variant. On other transcripts: non-coding transcript variant (1).
Genome position (GRCh38, 1-based): chr7:143,346,624, G>T. VCF-style: chr7-143346624-G-T. GRCh37 (hg19) VCF-style: chr7-143043717-G-T.
Other names: short protein forms G777V.
Identifiers: ClinVar variation 1035868 (VCV001035868.9), dbSNP rs1803256620, ClinGen allele CA369652282.